The following is an entry in ClinVar:

ClinVar aggregate classification (germline): Benign/Likely benign. Review status: criteria provided, multiple submitters, no conflicts (2 of 4 stars). 5 submissions from 5 submitters: Benign (1); Likely benign (4). Last evaluated 2026-02-01.

Allele frequency attached by ClinVar (database versions not stated): 1000 Genomes Project 30x 0.00078; 1000 Genomes Project 0.00080; ESP Exome Variant Server 0.00146; gnomAD 0.00162 and 0.00174; TOPMed 0.00165.
gnomAD v4.1: 3,000 of 1,610,362 alleles (0.19%); highest among the groups gnomAD compares: Middle Eastern, 0.25%; 6 homozygotes.

Submissions (5):

Labcorp Genetics (formerly Invitae), Labcorp
Classification: Benign. Last evaluated: 2026-02-01. Review status: criteria provided, single submitter. Criteria: Invitae Variant Classification Sherloc (09022015). Collection method: clinical testing. Allele origin: germline.

Blueprint Genetics
Classification: Likely benign. Last evaluated: 2024-10-30. Review status: criteria provided, single submitter. Criteria: ACMG Guidelines, 2015. Collection method: clinical testing. Allele origin: germline.

CeGaT Center for Human Genetics Tuebingen
Classification: Likely benign. Last evaluated: 2024-06-01. Review status: criteria provided, single submitter. Criteria: CeGaT Center For Human Genetics Tuebingen Variant Classification Criteria Version 2. Collection method: clinical testing. Allele origin: germline. Affected: yes. Observed: 2 variant alleles.
Comment: DYM: BS2

ARUP Laboratories, Molecular Genetics and Genomics, ARUP Laboratories
Classification: Likely benign. Last evaluated: 2023-10-14. Review status: criteria provided, single submitter. Criteria: ARUP Molecular Germline Variant Investigation Process 2024. Collection method: clinical testing. Allele origin: germline.

Eurofins Ntd Llc (ga)
Classification: Likely benign. Last evaluated: 2015-10-26. Review status: criteria provided, single submitter. Criteria: EGL Classification Definitions 2015. Collection method: clinical testing. Allele origin: germline. Observed: 2 variant alleles, 2 heterozygotes.

NM_001353214.3(DYM):c.1717C>T (p.Leu573=)

Gene: DYM (dymeclin; minus strand). Cytogenetic location: 18q21.1.
Variant type: single nucleotide variant.
Coding change: c.1717C>T on transcript NM_001353214.3 (MANE Select); coding-DNA position 1717, C replaced by T.
Protein change: p.Leu573=; no amino-acid change (leucine 573 retained).
Molecular consequence: synonymous variant.
Genome position (GRCh38, 1-based): chr18:49,163,696, G>A on the plus strand (C>T on the coding strand, the complement: DYM is on the minus strand). VCF-style: chr18-49163696-G-A. GRCh37 (hg19) VCF-style: chr18-46690066-G-A.
Other names: c.1549C>T, p.Leu517= (NM_001353210.3, NM_001353211.3, NM_001374435.1 and 1 more transcripts); c.1714C>T, p.Leu572= (NM_001353212.3, NM_001353213.3); c.1717C>T, p.Leu573= (NM_001353215.3, NM_001374428.1, NM_001374430.1 and 1 more transcripts); c.1552C>T, p.Leu518= (NM_001353216.3, NM_001374433.1, NM_001374434.1 and 1 more transcripts); c.1711C>T, p.Leu571= (NM_001374429.1); c.1591C>T, p.Leu531= (NM_001374432.1); c.1426C>T, p.Leu476= (NM_001374436.1); c.1369C>T, p.Leu457= (NM_001374437.1); and 5 more.
Identifiers: ClinVar variation 283838 (VCV000283838.44), dbSNP rs145279594, ClinGen allele CA8958046.